The following is an entry in ClinVar:

ClinVar aggregate classification (germline): Conflicting classifications of pathogenicity. Review status: criteria provided, conflicting classifications (1 of 4 stars). 2 submissions from 2 submitters: Uncertain significance (1); Likely benign (1). Last evaluated 2024-01-01.

Submissions (2):

CeGaT Center for Human Genetics Tuebingen
Classification: Likely benign. Last evaluated: 2024-01-01. Review status: criteria provided, single submitter. Criteria: CeGaT Center For Human Genetics Tuebingen Variant Classification Criteria Version 2. Collection method: clinical testing. Allele origin: germline. Affected: yes. Observed: 1 variant allele.
Comment: BPTF: BP3

Labcorp Genetics (formerly Invitae), Labcorp
Classification: Uncertain significance. Last evaluated: 2022-08-19. Review status: criteria provided, single submitter. Criteria: Invitae Variant Classification Sherloc (09022015). Collection method: clinical testing. Allele origin: germline.
Comment: This variant has not been reported in the literature in individuals affected with BPTF-related conditions. The frequency data for this variant in the population databases is considered unreliable, as metrics indicate insufficient coverage at this position in the gnomAD database. This variant, c.87_92dup, results in the insertion of 2 amino acid(s) of the BPTF protein (p.Pro30_Pro31dup), but otherwise preserves the integrity of the reading frame. In summary, the available evidence is currently insufficient to determine the role of this variant in disease. Therefore, it has been classified as a Variant of Uncertain Significance.

NM_182641.4(BPTF):c.81GCC[6] (p.Pro31_Thr32insProPro)

Gene: BPTF (bromodomain PHD finger transcription factor; plus strand). Cytogenetic location: 17q24.2.
Variant type: Microsatellite.
Coding change: c.81GCC[6] on transcript NM_182641.4 (MANE Select); six copies in a row of the 3-base unit GCC starting at c.81; the reference has four copies in a row; two copies, 6 bases duplicated.
Protein change: p.Pro31_Thr32insProPro.
Molecular consequence: inframe insertion.
Genome position (GRCh38, 1-based): chr17:67,825,811-67,825,816, GCCGCC duplicated; duplicating any 6 consecutive bases within chr17:67,825,803-67,825,816 gives the same sequence; the position shown is the placement nearest the transcript's 3' end. VCF-style (leftmost placement, unchanged base first): chr17-67825802-A-ACCGCCG. GRCh37 (hg19) VCF-style: chr17-65821918-A-ACCGCCG.
Other names: c.81GCC[6], p.Pro31_Thr32insProPro (NM_004459.7).
Identifiers: ClinVar variation 1971703 (VCV001971703.27), dbSNP rs1489258620, ClinGen allele CA774379291.